The following is an entry in ClinVar:

ClinVar aggregate classification (germline): Uncertain significance (1 of 4 stars; one submission).

Submission:

GeneDx
Classification: Uncertain significance. Last evaluated: 2026-04-14. Review status: criteria provided, single submitter. Criteria: GeneDx Variant Classification Process June 2021. Collection method: clinical testing. Allele origin: germline.
Comment: Not observed at significant frequency in large population cohorts (gnomAD); In silico analysis supports that this missense variant has a deleterious effect on protein structure/function; Has not been previously published as pathogenic or benign to our knowledge

NM_001257291.2(SLC9A7):c.761T>C (p.Phe254Ser)

Gene: SLC9A7 (solute carrier family 9 member A7; minus strand). Cytogenetic location: Xp11.3.
Variant type: single nucleotide variant.
Coding change: c.761T>C on transcript NM_001257291.2 (MANE Select); coding-DNA position 761, T replaced by C.
Protein change: p.Phe254Ser; replaces phenylalanine 254 with serine.
Molecular consequence: missense variant.
Genome position (GRCh38, 1-based): chrX:46,669,639, A>G on the plus strand (T>C on the coding strand, the complement: SLC9A7 is on the minus strand). VCF-style: chrX-46669639-A-G. GRCh37 (hg19) VCF-style: chrX-46529074-A-G.
Other names: c.761T>C, p.Phe254Ser (NM_032591.3); short protein forms F254S.
Identifiers: ClinVar variation 5037218 (VCV005037218.1).
Genomic context (GRCh38, chrX:46,669,639, plus strand): 5'-ATAAAGACAAATACACAAAGCCAAATACCTGGGTCAGTGGCAGAGATGATTGCTCCAAAA[A>G]AGAGACAATCTGTGTAGTAAAATTTATCTGAGAGCTGTCCCATAATCTTCATGAGCTTCA-3'
Protein context (NP_001244220.1, residues 244-264): SDKFYYTDCL[Phe254Ser]FGAIISATDP